The following is an entry in ClinVar:

NM_004655.4(AXIN2):c.489G>T (p.Lys163Asn)

Gene: AXIN2 (axin 2; minus strand). Cytogenetic location: 17q24.1.
Variant type: single nucleotide variant.
Coding change: c.489G>T on transcript NM_004655.4 (MANE Select); coding-DNA position 489, G replaced by T.
Protein change: p.Lys163Asn; replaces lysine 163 with asparagine.
Molecular consequence: missense variant.
Genome position (GRCh38, 1-based): chr17:65,558,132, C>A on the plus strand (G>T on the coding strand, the complement: AXIN2 is on the minus strand). VCF-style: chr17-65558132-C-A. GRCh37 (hg19) VCF-style: chr17-63554250-C-A.
Other names: c.489G>T, p.Lys163Asn (NM_001363813.1); short protein forms K163N.
Identifiers: ClinVar variation 2115065 (VCV002115065.4), dbSNP rs2144585306, ClinGen allele CA400681201.
Genomic context (GRCh38, chr17:65,558,132, plus strand): 5'-CTCCATCACCGACTGGATCTCGGTCTGCGCCTGGTCAAACATGATGGAATCAATCTGCTG[C>A]TTCTTGATGCCATCTCTTATGTAGGTCTTGGTGGCAGGCTTCAGCTGCTTGGAGACAATG-3'
Protein context (NP_004646.3, residues 153-173): TKTYIRDGIK[Lys163Asn]QQIDSIMFDQ

ClinVar aggregate classification (germline): Uncertain significance (1 of 4 stars; one submission).

Conditions:
Oligodontia-cancer predisposition syndrome. Also called: TOOTH AGENESIS-COLORECTAL CANCER SYNDROME. Identifiers: Orphanet 300576, MedGen C1837750, MONDO:0012075, OMIM 608615. Disease mechanism: loss of function.

Submission:

Labcorp Genetics (formerly Invitae), Labcorp
Classification: Uncertain significance for Oligodontia-cancer predisposition syndrome. Last evaluated: 2022-03-20. Review status: criteria provided, single submitter. Criteria: Invitae Variant Classification Sherloc (09022015). Collection method: clinical testing. Allele origin: germline.
Comment: In summary, the available evidence is currently insufficient to determine the role of this variant in disease. Therefore, it has been classified as a Variant of Uncertain Significance. Algorithms developed to predict the effect of missense changes on protein structure and function (SIFT, PolyPhen-2, Align-GVGD) all suggest that this variant is likely to be tolerated. This variant has not been reported in the literature in individuals affected with AXIN2-related conditions. This variant is not present in population databases (gnomAD no frequency). This sequence change replaces lysine, which is basic and polar, with asparagine, which is neutral and polar, at codon 163 of the AXIN2 protein (p.Lys163Asn).